The following is an entry in ClinVar:

NM_001077365.2(POMT1):c.1272+262G>C

Gene: POMT1 (protein O-mannosyltransferase 1; plus strand). Cytogenetic location: 9q34.13.
Variant type: single nucleotide variant.
Coding change: c.1272+262G>C on transcript NM_001077365.2 (MANE Select); 262 bases into the intron after coding-DNA position 1272, G replaced by C.
Molecular consequence: intron variant.
Genome position (GRCh38, 1-based): chr9:131,515,784, G>C. VCF-style: chr9-131515784-G-C. GRCh37 (hg19) VCF-style: chr9-134391171-G-C.
Other names: c.1176+262G>C (NM_001353198.2, NM_001353197.2); c.1338+262G>C (NM_001353193.2, NM_007171.4); c.1272+262G>C (NM_001136113.2, NM_001374690.1); c.1110+262G>C (NM_001353194.2, NM_001077366.2); c.921+262G>C (NM_001374691.1, NM_001353195.2, NM_001374692.1 and 2 more transcripts); c.1182+262G>C (NM_001353196.2); c.882+262G>C (NM_001374695.1); c.1260+262G>C (NM_001374689.1); and 2 more.
Identifiers: ClinVar variation 671909 (VCV000671909.1), dbSNP rs113878457, ClinGen allele CA200790074.

ClinVar aggregate classification (germline): Likely benign (1 of 4 stars; one submission).

Allele frequency attached by ClinVar (database versions not stated): gnomAD 0.16695 and 0.17476.
gnomAD v4.1: 2,625 of 15,022 alleles (17%); highest among the groups gnomAD compares: East Asian, 32%; 507 homozygotes.

Submission:

GeneDx
Classification: Likely benign. Last evaluated: 2018-06-19. Review status: criteria provided, single submitter. Criteria: GeneDx Variant Classification (06012015). Collection method: clinical testing. Allele origin: germline. Affected: yes.
Comment: This variant is considered likely benign or benign based on one or more of the following criteria: it is a conservative change, it occurs at a poorly conserved position in the protein, it is predicted to be benign by multiple in silico algorithms, and/or has population frequency not consistent with disease.